The following is an entry in ClinVar:

ClinVar aggregate classification (germline): Likely benign. Review status: criteria provided, single submitter (1 of 4 stars). 2 submissions from 2 submitters: Likely benign (1). 1 of the submissions does not count toward it. Last evaluated 2025-04-28.

Conditions:
POLR1A-related disorder. Also called: POLR1A-related condition.

Allele frequency attached by ClinVar (database versions not stated): ExAC 0.00002; gnomAD 0.00004; gnomAD exomes 0.00001; TOPMed 0.00004.
gnomAD v4.1: 17 of 1,612,722 alleles (0.0011%); highest among the groups gnomAD compares: African/African-American, 0.008%; no homozygotes.

Submissions (2):

Labcorp Genetics (formerly Invitae), Labcorp
Classification: Likely benign. Last evaluated: 2025-04-28. Review status: criteria provided, single submitter. Criteria: Invitae Variant Classification Sherloc (09022015). Collection method: clinical testing. Allele origin: germline.

PreventionGenetics, part of Exact Sciences
Classification: Likely benign for POLR1A-related condition. Last evaluated: 2023-05-03. Review status: no assertion criteria provided. Collection method: clinical testing. Allele origin: germline. Not counted in ClinVar's aggregate classification.
Comment: This variant is classified as likely benign based on ACMG/AMP sequence variant interpretation guidelines (Richards et al. 2015 PMID: 25741868, with internal and published modifications).

NM_015425.6(POLR1A):c.1884G>A (p.Ala628=)

Gene: POLR1A (RNA polymerase I subunit A; minus strand). Cytogenetic location: 2p11.2.
Variant type: single nucleotide variant.
Coding change: c.1884G>A on transcript NM_015425.6 (MANE Select); coding-DNA position 1884, G replaced by A.
Protein change: p.Ala628=; no amino-acid change (alanine 628 retained).
Molecular consequence: synonymous variant.
Genome position (GRCh38, 1-based): chr2:86,065,448, C>T on the plus strand (G>A on the coding strand, the complement: POLR1A is on the minus strand). VCF-style: chr2-86065448-C-T. GRCh37 (hg19) VCF-style: chr2-86292571-C-T.
Other names: c.1884G>A (NM_015425.4).
Identifiers: ClinVar variation 2893969 (VCV002893969.5), dbSNP rs754174505, ClinGen allele CA1746217.